The following is an entry in ClinVar:

ClinVar aggregate classification (germline): Uncertain significance (1 of 4 stars; one submission).

Conditions:
Familial thoracic aortic aneurysm and aortic dissection (TAAD). Also called: Thoracic aortic aneurysms and dissections. Identifiers: Orphanet 91387, MedGen C4707243, MONDO:0019625.

Submission:

Ambry Genetics
Classification: Uncertain significance for Familial thoracic aortic aneurysm and aortic dissection. Last evaluated: 2021-08-05. Review status: criteria provided, single submitter. Criteria: Ambry Variant Classification Scheme 2023. Collection method: clinical testing. Allele origin: germline.
Comment: The p.G252D variant (also known as c.755G>A) is located in coding exon 5 of the TGFB2 gene. The glycine at codon 252 is replaced by aspartic acid, an amino acid with similar properties. This change occurs in the first base pair of coding exon 5. This amino acid position is conserved. In addition, this alteration is predicted to be deleterious by in silico analysis. Since supporting evidence is limited at this time, the clinical significance of this alteration remains unclear.

NM_003238.6(TGFB2):c.755G>A (p.Gly252Asp)

Gene: TGFB2 (transforming growth factor beta 2; plus strand). Cytogenetic location: 1q41.
Variant type: single nucleotide variant.
Coding change: c.755G>A on transcript NM_003238.6 (MANE Select); coding-DNA position 755, G replaced by A.
Protein change: p.Gly252Asp; replaces glycine 252 with aspartic acid.
Molecular consequence: missense variant.
Genome position (GRCh38, 1-based): chr1:218,435,970, G>A. VCF-style: chr1-218435970-G-A. GRCh37 (hg19) VCF-style: chr1-218609312-G-A.
Other names: c.839G>A, p.Gly280Asp (NM_001135599.4); short protein forms G252D, G280D.
Identifiers: ClinVar variation 1759517 (VCV001759517.2), dbSNP rs2464871377, ClinGen allele CA344726988.